The following is an entry in ClinVar:

ClinVar aggregate classification (germline): Uncertain significance (1 of 4 stars; one submission).

Conditions:
BBS12-related disorder. Also called: BBS12-related condition.

gnomAD v4.1: 3 of 1,614,158 alleles (0.00019%); highest among the groups gnomAD compares: East Asian, 0.0045%; no homozygotes.

Submission:

PreventionGenetics, part of Exact Sciences
Classification: Uncertain significance for BBS12-related condition. Last evaluated: 2025-12-26. Review status: criteria provided, single submitter. Criteria: ACMG Guidelines, 2015. Collection method: clinical testing. Allele origin: germline.
Comment: The BBS12 c.461G>A variant is predicted to result in the amino acid substitution p.Ser154Asn. To our knowledge, this variant has not been reported in the literature. This variant is reported in 0.011% of alleles in individuals of East Asian descent in gnomAD. At this time, the clinical significance of this variant is uncertain due to the absence of conclusive functional and genetic evidence.

NM_152618.3(BBS12):c.461G>A (p.Ser154Asn)

Gene: BBS12 (Bardet-Biedl syndrome 12; plus strand). Cytogenetic location: 4q27.
Variant type: single nucleotide variant.
Coding change: c.461G>A on transcript NM_152618.3 (MANE Select); coding-DNA position 461, G replaced by A.
Protein change: p.Ser154Asn; replaces serine 154 with asparagine.
Molecular consequence: missense variant.
Genome position (GRCh38, 1-based): chr4:122,742,353, G>A. VCF-style: chr4-122742353-G-A. GRCh37 (hg19) VCF-style: chr4-123663508-G-A.
Other names: c.461G>A, p.Ser154Asn (NM_001178007.2); short protein forms S154N.
Identifiers: ClinVar variation 4982052 (VCV004982052.1).